The following is an entry in ClinVar:

NM_053025.4(MYLK):c.4620-12G>A

Gene: MYLK (myosin light chain kinase; minus strand). Cytogenetic location: 3q21.1.
Variant type: single nucleotide variant.
Coding change: c.4620-12G>A on transcript NM_053025.4 (MANE Select); 12 bases into the intron before coding-DNA position 4620, G replaced by A.
Molecular consequence: intron variant.
Genome position (GRCh38, 1-based): chr3:123,640,516, C>T on the plus strand (G>A on the coding strand, the complement: MYLK is on the minus strand). VCF-style: chr3-123640516-C-T. GRCh37 (hg19) VCF-style: chr3-123359363-C-T.
Other names: c.4092-12G>A (NM_001321309.2); c.4413-12G>A (NM_053028.4, NM_053026.4); c.4620-12G>A (NM_053027.4).
Identifiers: ClinVar variation 262284 (VCV000262284.19), dbSNP rs41301337, ClinGen allele CA071897.

ClinVar aggregate classification (germline): Benign/Likely benign. Review status: criteria provided, multiple submitters, no conflicts (2 of 4 stars). 10 submissions from 10 submitters: Benign (5); Likely benign (2). 3 of the submissions do not count toward it. Last evaluated 2026-02-04.

Conditions:
Aortic aneurysm, familial thoracic 7 (AAT7). Also called: AORTIC DISSECTION, FAMILIAL, WITH OR WITHOUT AORTIC ANEURYSM. Identifiers: MedGen C3151077, MONDO:0013418, OMIM 613780.

Allele frequency attached by ClinVar (database versions not stated): 1000 Genomes Project 0.01518; 1000 Genomes Project 30x 0.01733; gnomAD exomes 0.02400; ExAC 0.02488; TOPMed 0.02910; gnomAD 0.02946 and 0.03066; ESP Exome Variant Server 0.03337.
gnomAD v4.1: 51,591 of 1,613,558 alleles (3.2%); highest among the groups gnomAD compares: Non-Finnish European, 3.7%; 974 homozygotes.

Submissions (10):

Labcorp Genetics (formerly Invitae), Labcorp
Classification: Benign for Aortic aneurysm, familial thoracic 7. Last evaluated: 2026-02-04. Review status: criteria provided, single submitter. Criteria: Invitae Variant Classification Sherloc (09022015). Collection method: clinical testing. Allele origin: germline.

Blueprint Genetics
Classification: Benign. Last evaluated: 2024-11-26. Review status: criteria provided, single submitter. Criteria: ACMG Guidelines, 2015. Collection method: clinical testing. Allele origin: germline.

Women's Health and Genetics/Laboratory Corporation of America, LabCorp
Classification: Benign. Last evaluated: 2019-08-19. Review status: criteria provided, single submitter. Criteria: LabCorp Variant Classification Summary - May 2015. Collection method: clinical testing. Allele origin: germline.
Comment: Variant summary: MYLK c.4620-12G>A alters a non-conserved nucleotide located close to a canonical splice site and therefore could affect mRNA splicing, leading to a significantly altered protein sequence. 5/5 computational tools predict no significant impact on normal splicing. However, these predictions have yet to be confirmed by functional studies. The variant allele was found at a frequency of 0.024 in 250630 control chromosomes in the gnomAD database, including 92 homozygotes. The observed variant frequency is approximately 960-folds higher than the estimated maximal expected allele frequency for a pathogenic variant in MYLK causing Aortopathy phenotype (2.5e-05), strongly suggesting that the variant is benign. Two ClinVar submissions (evaluation after 2014) cite the variant as likely benign/benign. Based on the evidence outlined above, the variant was classified as benign.

Illumina Laboratory Services, Illumina
Classification: Likely benign for Aortic aneurysm, familial thoracic 7. Last evaluated: 2018-01-12. Review status: criteria provided, single submitter. Criteria: ICSL Variant Classification Criteria 13 December 2019. Collection method: clinical testing. Allele origin: germline.
Comment: This variant was observed in the ICSL laboratory as part of a predisposition screen in an ostensibly healthy population. It had not been previously curated by ICSL or reported in the Human Gene Mutation Database (HGMD: prior to June 1st, 2018), and was therefore a candidate for classification through an automated scoring system. Utilizing variant allele frequency, disease prevalence and penetrance estimates, and inheritance mode, an automated score was calculated to assess if this variant is too frequent to cause the disease. Based on the score and internal cut-off values, a variant classified as likely benign is not then subjected to further curation. The score for this variant resulted in a classification of likely benign for this disease.

GeneDx
Classification: Benign. Last evaluated: 2016-10-03. Review status: criteria provided, single submitter. Criteria: GeneDx Variant Classification (06012015). Collection method: clinical testing. Allele origin: germline. Affected: yes.
Comment: This variant is considered likely benign or benign based on one or more of the following criteria: it is a conservative change, it occurs at a poorly conserved position in the protein, it is predicted to be benign by multiple in silico algorithms, and/or has population frequency not consistent with disease.

Breakthrough Genomics
Classification: Likely benign. Review status: criteria provided, single submitter. Criteria: ACMG Guidelines, 2015. Collection method: not provided. Allele origin: germline. Inheritance: Autosomal recessive inheritance. Affected: yes.

PreventionGenetics, part of Exact Sciences
Classification: Benign. Review status: criteria provided, single submitter. Criteria: ACMG Guidelines, 2015. Collection method: clinical testing. Allele origin: germline.

Clinical Genetics DNA and cytogenetics Diagnostics Lab, Erasmus MC, Erasmus Medical Center
Classification: Benign. Review status: no assertion criteria provided. Collection method: clinical testing. Allele origin: germline. Affected: yes. Study: VKGL Data-share Consensus. Not counted in ClinVar's aggregate classification.

Genome Diagnostics Laboratory, Amsterdam University Medical Center
Classification: Benign. Review status: no assertion criteria provided. Collection method: clinical testing. Allele origin: germline. Affected: yes. Study: VKGL Data-share Consensus. Not counted in ClinVar's aggregate classification.

Genome Diagnostics Laboratory, University Medical Center Utrecht
Classification: Benign. Review status: no assertion criteria provided. Collection method: clinical testing. Allele origin: germline. Affected: yes. Study: VKGL Data-share Consensus. Not counted in ClinVar's aggregate classification.